The following is an entry in ClinVar:

NM_001735.3(C5):c.4112C>T (p.Ser1371Phe)

Gene: C5 (complement C5; minus strand). Cytogenetic location: 9q33.2.
Variant type: single nucleotide variant.
Coding change: c.4112C>T on transcript NM_001735.3 (MANE Select); coding-DNA position 4112, C replaced by T.
Protein change: p.Ser1371Phe; replaces serine 1371 with phenylalanine.
Molecular consequence: missense variant.
Genome position (GRCh38, 1-based): chr9:120,970,220, G>A on the plus strand (C>T on the coding strand, the complement: C5 is on the minus strand). VCF-style: chr9-120970220-G-A. GRCh37 (hg19) VCF-style: chr9-123732498-G-A.
Other names: c.4130C>T, p.Ser1377Phe (NM_001317163.2); short protein forms S1371F, S1377F.
Identifiers: ClinVar variation 1948289 (VCV001948289.6), dbSNP rs1172690240, ClinGen allele CA374752599.
Genomic context (GRCh38, chr9:120,970,220, plus strand): 5'-CTGTTTTTACCTTCAATATCCTGAGTATCGATTTTCAAATAAAAGCTGCAAACTTCCTCA[G>A]AGGTACTGGTTTTGTGAACTACAGTTGTTACCTACATTGGGGACAAGTAAGCAAGAAGAT-3'
Protein context (NP_001726.2, residues 1361-1381): VTTVVHKTST[Ser1371Phe]EEVCSFYLKI

ClinVar aggregate classification (germline): Uncertain significance. Review status: criteria provided, multiple submitters, no conflicts (2 of 4 stars). 2 submissions from 2 submitters: Uncertain significance (2). Last evaluated 2025-05-30.

Allele frequency attached by ClinVar (database versions not stated): gnomAD exomes below 0.00001; gnomAD 0.00002; TOPMed 0.00002.
gnomAD v4.1: 7 of 1,613,320 alleles (0.00043%); highest among the groups gnomAD compares: Middle Eastern, 0.016%; no homozygotes.

Submissions (2):

Ambry Genetics
Classification: Uncertain significance. Last evaluated: 2025-05-30. Review status: criteria provided, single submitter. Criteria: Ambry Variant Classification Scheme 2023. Collection method: clinical testing. Allele origin: germline.

Labcorp Genetics (formerly Invitae), Labcorp
Classification: Uncertain significance. Last evaluated: 2022-05-04. Review status: criteria provided, single submitter. Criteria: Invitae Variant Classification Sherloc (09022015). Collection method: clinical testing. Allele origin: germline.
Comment: This sequence change replaces serine, which is neutral and polar, with phenylalanine, which is neutral and non-polar, at codon 1371 of the C5 protein (p.Ser1371Phe). This variant is present in population databases (no rsID available, gnomAD no frequency). In summary, the available evidence is currently insufficient to determine the role of this variant in disease. Therefore, it has been classified as a Variant of Uncertain Significance. Algorithms developed to predict the effect of missense changes on protein structure and function are either unavailable or do not agree on the potential impact of this missense change (SIFT: "Tolerated"; PolyPhen-2: "Probably Damaging"; Align-GVGD: "Class C0"). This variant has not been reported in the literature in individuals affected with C5-related conditions.